The following is an entry in ClinVar:

NM_001332.4(CTNND2):c.363C>T (p.Leu121=)

Gene: CTNND2 (catenin delta 2; minus strand). Cytogenetic location: 5p15.2.
Variant type: single nucleotide variant.
Coding change: c.363C>T on transcript NM_001332.4 (MANE Select); coding-DNA position 363, C replaced by T.
Protein change: p.Leu121=; no amino-acid change (leucine 121 retained).
Molecular consequence: synonymous variant. On other transcripts: 5 prime UTR variant (1), non-coding transcript variant (1).
Genome position (GRCh38, 1-based): chr5:11,411,612, G>A on the plus strand (C>T on the coding strand, the complement: CTNND2 is on the minus strand). VCF-style: chr5-11411612-G-A. GRCh37 (hg19) VCF-style: chr5-11411724-G-A.
Other names: c.90C>T, p.Leu30= (NM_001288715.1, NM_001288716.1, NM_001364128.2); c.-372C>T (NM_001288717.2).
Identifiers: ClinVar variation 1222252 (VCV001222252.12), dbSNP rs143717087, ClinGen allele CA3201089.

ClinVar aggregate classification (germline): Likely benign. Review status: criteria provided, multiple submitters, no conflicts (2 of 4 stars). 3 submissions from 3 submitters: Likely benign (3). Last evaluated 2026-09-01.

Allele frequency attached by ClinVar (database versions not stated): ESP Exome Variant Server 0.00023; gnomAD 0.00023 and 0.00029; TOPMed 0.00026; gnomAD exomes 0.00029; 1000 Genomes Project 30x 0.00031; ExAC 0.00039; 1000 Genomes Project 0.00040.
gnomAD v4.1: 296 of 1,612,318 alleles (0.018%); highest among the groups gnomAD compares: Middle Eastern, 0.31%; no homozygotes.

Submissions (3):

CeGaT Center for Human Genetics Tuebingen
Classification: Likely benign. Last evaluated: 2026-09-01. Review status: criteria provided, single submitter. Criteria: CeGaT Center For Human Genetics Tuebingen Variant Classification Criteria Version 2. Collection method: clinical testing. Allele origin: germline. Affected: yes. Observed: 2 variant alleles.
Comment: CTNND2: BP4, BP7

Blueprint Genetics
Classification: Likely benign. Last evaluated: 2024-08-15. Review status: criteria provided, single submitter. Criteria: ACMG Guidelines, 2015. Collection method: clinical testing. Allele origin: germline.

GeneDx
Classification: Likely benign. Last evaluated: 2021-03-05. Review status: criteria provided, single submitter. Criteria: GeneDx Variant Classification Process June 2021. Collection method: clinical testing. Allele origin: germline. Affected: yes.